The following is an entry in ClinVar:

NM_000306.4(POU1F1):c.104T>C (p.Leu35Pro)

Gene: POU1F1 (POU class 1 homeobox 1; minus strand). Cytogenetic location: 3p11.2.
Variant type: single nucleotide variant.
Coding change: c.104T>C on transcript NM_000306.4 (MANE Select); coding-DNA position 104, T replaced by C.
Protein change: p.Leu35Pro; replaces leucine 35 with proline.
Molecular consequence: missense variant.
Genome position (GRCh38, 1-based): chr3:87,276,359, A>G on the plus strand (T>C on the coding strand, the complement: POU1F1 is on the minus strand). VCF-style: chr3-87276359-A-G. GRCh37 (hg19) VCF-style: chr3-87325509-A-G.
Other names: c.104T>C, p.Leu35Pro (NM_001122757.3); short protein forms L35P.
Identifiers: ClinVar variation 1209024 (VCV001209024.5), dbSNP rs558209279, ClinGen allele CA2501309.

ClinVar aggregate classification (germline): Uncertain significance. Review status: criteria provided, multiple submitters, no conflicts (2 of 4 stars). 2 submissions from 2 submitters: Uncertain significance (2). Last evaluated 2025-12-01.

Allele frequency attached by ClinVar (database versions not stated): gnomAD 0.00001 and 0.00005; TOPMed 0.00001; gnomAD exomes 0.00008 and 0.00018; ExAC 0.00014.
gnomAD v4.1: 117 of 1,613,918 alleles (0.0072%); highest among the groups gnomAD compares: South Asian, 0.12%; no homozygotes.

Submissions (2):

GeneDx
Classification: Uncertain significance. Last evaluated: 2025-12-01. Review status: criteria provided, single submitter. Criteria: GeneDx Variant Classification Process June 2021. Collection method: clinical testing. Allele origin: germline. Affected: yes.
Comment: In silico analysis supports that this missense variant has a deleterious effect on protein structure/function; Has not been previously published as pathogenic or benign to our knowledge

Blueprint Genetics
Classification: Uncertain significance. Last evaluated: 2022-12-09. Review status: criteria provided, single submitter. Criteria: ACMG Guidelines, 2015. Collection method: clinical testing. Allele origin: germline.